The following is an entry in ClinVar:

ClinVar aggregate classification (germline): Benign. Review status: criteria provided, multiple submitters, no conflicts (2 of 4 stars). 2 submissions from 2 submitters: Benign (2). Last evaluated 2018-01-13.

Conditions:
Neuropathy, hereditary sensory and autonomic, type 1C. Also called: HSAN IC; HSN IC. Identifiers: Orphanet 36386, MedGen C3150896, MONDO:0013337, OMIM 613640.

Allele frequency attached by ClinVar (database versions not stated): TOPMed 0.73319; gnomAD 0.74276 and 0.75094; 1000 Genomes Project 30x 0.76093; 1000 Genomes Project 0.76897; gnomAD exomes 1.00000.
gnomAD v4.1: 114,484 of 152,172 alleles (75%); highest among the groups gnomAD compares: East Asian, 97%; 44,755 homozygotes.

Submissions (2):

Illumina Laboratory Services, Illumina
Classification: Benign for Neuropathy, hereditary sensory and autonomic, type 1C. Last evaluated: 2018-01-13. Review status: criteria provided, single submitter. Criteria: ICSL Variant Classification Criteria 13 December 2019. Collection method: clinical testing. Allele origin: germline.
Comment: This variant was observed in the ICSL laboratory as part of a predisposition screen in an ostensibly healthy population. It had not been previously curated by ICSL or reported in the Human Gene Mutation Database (HGMD: prior to June 1st, 2018), and was therefore a candidate for classification through an automated scoring system. Utilizing variant allele frequency, disease prevalence and penetrance estimates, and inheritance mode, an automated score was calculated to assess if this variant is too frequent to cause the disease. Based on the score and internal cut-off values, a variant classified as benign is not then subjected to further curation. The score for this variant resulted in a classification of benign for this disease.

Breakthrough Genomics
Classification: Benign. Review status: criteria provided, single submitter. Criteria: ACMG Guidelines, 2015. Collection method: not provided. Allele origin: germline. Inheritance: Autosomal dominant inheritance. Affected: yes.

NM_004863.4(SPTLC2):c.*3637G>A

Gene: SPTLC2 (serine palmitoyltransferase long chain base subunit 2; minus strand). Cytogenetic location: 14q24.3.
Variant type: single nucleotide variant.
Coding change: c.*3637G>A on transcript NM_004863.4 (MANE Select); 3637 bases downstream of the stop codon, G replaced by A.
Molecular consequence: 3 prime UTR variant.
Genome position (GRCh38, 1-based): chr14:77,508,647, C>T on the plus strand (G>A on the coding strand, the complement: SPTLC2 is on the minus strand). VCF-style: chr14-77508647-C-T. GRCh37 (hg19) VCF-style: chr14-77974990-C-T.
Identifiers: ClinVar variation 314603 (VCV000314603.6), dbSNP rs1063271, ClinGen allele CA10641140.